The following is an entry in ClinVar:

NM_001278064.2(GRM1):c.80T>G (p.Val27Gly)

Gene: GRM1 (glutamate metabotropic receptor 1; plus strand). Cytogenetic location: 6q24.3.
Variant type: single nucleotide variant.
Coding change: c.80T>G on transcript NM_001278064.2 (MANE Select); coding-DNA position 80, T replaced by G.
Protein change: p.Val27Gly; replaces valine 27 with glycine.
Molecular consequence: missense variant.
Genome position (GRCh38, 1-based): chr6:146,029,597, T>G. VCF-style: chr6-146029597-T-G. GRCh37 (hg19) VCF-style: chr6-146350733-T-G.
Other names: c.80T>G, p.Val27Gly (NM_001278065.2, NM_001278066.1, NM_001278067.1); short protein forms V27G.
Identifiers: ClinVar variation 4822278 (VCV004822278.4).

ClinVar aggregate classification (germline): Uncertain significance (1 of 4 stars; one submission).

Submission:

CeGaT Center for Human Genetics Tuebingen
Classification: Uncertain significance. Last evaluated: 2026-03-01. Review status: criteria provided, single submitter. Criteria: CeGaT Center For Human Genetics Tuebingen Variant Classification Criteria Version 2. Collection method: clinical testing. Allele origin: germline. Affected: yes. Observed: 1 variant allele.
Comment: GRM1: PM2, BP4